The following is an entry in ClinVar:

NM_022356.4(P3H1):c.435C>G (p.Pro145=)

Gene: P3H1 (prolyl 3-hydroxylase 1; minus strand). Cytogenetic location: 1p34.2.
Variant type: single nucleotide variant.
Coding change: c.435C>G on transcript NM_022356.4 (MANE Select); coding-DNA position 435, C replaced by G.
Protein change: p.Pro145=; no amino-acid change (proline 145 retained).
Molecular consequence: synonymous variant.
Genome position (GRCh38, 1-based): chr1:42,766,537, G>C on the plus strand (C>G on the coding strand, the complement: P3H1 is on the minus strand). VCF-style: chr1-42766537-G-C. GRCh37 (hg19) VCF-style: chr1-43232208-G-C.
Other names: c.435C>G, p.Pro145= (NM_001146289.2, NM_001243246.2).
Identifiers: ClinVar variation 788239 (VCV000788239.17), dbSNP rs759352609, ClinGen allele CA802181.

ClinVar aggregate classification (germline): Likely benign. Review status: criteria provided, multiple submitters, no conflicts (2 of 4 stars). 6 submissions from 6 submitters: Likely benign (5). 1 of the submissions does not count toward it. Last evaluated 2026-01-24.

Conditions:
P3H1-related disorder. Also called: P3H1-related condition.
Osteogenesis imperfecta type 8 (OI8). Identifiers: MedGen C1970458, MONDO:0012581, OMIM 610915.

Allele frequency attached by ClinVar (database versions not stated): gnomAD exomes 0.00010 and 0.00012; gnomAD 0.00012 and 0.00014; ExAC 0.00014; TOPMed 0.00015.
gnomAD v4.1: 208 of 1,612,162 alleles (0.013%); highest among the groups gnomAD compares: Non-Finnish European, 0.014%; no homozygotes.

Submissions (6):

Labcorp Genetics (formerly Invitae), Labcorp
Classification: Likely benign for Osteogenesis imperfecta type 8. Last evaluated: 2026-01-24. Review status: criteria provided, single submitter. Criteria: Invitae Variant Classification Sherloc (09022015). Collection method: clinical testing. Allele origin: germline.

Blueprint Genetics
Classification: Likely benign. Last evaluated: 2024-11-14. Review status: criteria provided, single submitter. Criteria: ACMG Guidelines, 2015. Collection method: clinical testing. Allele origin: germline.

Genome-Nilou Lab
Classification: Likely benign for Osteogenesis imperfecta type 8. Last evaluated: 2023-04-11. Review status: criteria provided, single submitter. Criteria: ACMG Guidelines, 2015. Collection method: clinical testing. Allele origin: germline. Affected: no.

GeneDx
Classification: Likely benign. Last evaluated: 2020-10-15. Review status: criteria provided, single submitter. Criteria: GeneDx Variant Classification Process June 2021. Collection method: clinical testing. Allele origin: germline. Affected: yes.

Breakthrough Genomics
Classification: Likely benign. Review status: criteria provided, single submitter. Criteria: ACMG Guidelines, 2015. Collection method: not provided. Allele origin: germline. Inheritance: Autosomal recessive inheritance. Affected: yes.

PreventionGenetics, part of Exact Sciences
Classification: Likely benign for P3H1-related condition. Last evaluated: 2021-05-05. Review status: no assertion criteria provided. Collection method: clinical testing. Allele origin: germline. Not counted in ClinVar's aggregate classification.
Comment: This variant is classified as likely benign based on ACMG/AMP sequence variant interpretation guidelines (Richards et al. 2015 PMID: 25741868, with internal and published modifications).